The following is an entry in ClinVar:

ClinVar aggregate classification (germline): Uncertain significance. Review status: criteria provided, multiple submitters, no conflicts (2 of 4 stars). 2 submissions from 2 submitters: Uncertain significance (2). Last evaluated 2025-09-26.

Conditions:
Hereditary cancer-predisposing syndrome. Also called: Neoplastic Syndromes, Hereditary; Hereditary Cancer Syndrome; Tumor predisposition; Hereditary neoplastic syndrome. Identifiers: Orphanet 140162, MedGen C0027672, MeSH D009386, MONDO:0015356.

Submissions (2):

Ambry Genetics
Classification: Uncertain significance for Hereditary cancer-predisposing syndrome. Last evaluated: 2025-09-26. Review status: criteria provided, single submitter. Criteria: Ambry Variant Classification Scheme 2023. Collection method: clinical testing. Allele origin: germline.
Comment: The p.A1854V variant (also known as c.5561C>T), located in coding exon 41 of the POLE gene, results from a C to T substitution at nucleotide position 5561. The alanine at codon 1854 is replaced by valine, an amino acid with similar properties. This amino acid position is conserved. In addition, this alteration is predicted to be tolerated by in silico analysis. Based on the available evidence, the clinical significance of this variant remains unclear.

Labcorp Genetics (formerly Invitae), Labcorp
Classification: Uncertain significance. Last evaluated: 2025-08-05. Review status: criteria provided, single submitter. Criteria: Invitae Variant Classification Sherloc (09022015). Collection method: clinical testing. Allele origin: germline.
Comment: This sequence change replaces alanine, which is neutral and non-polar, with valine, which is neutral and non-polar, at codon 1854 of the POLE protein (p.Ala1854Val). This variant is not present in population databases (gnomAD no frequency). This variant has not been reported in the literature in individuals affected with POLE-related conditions. ClinVar contains an entry for this variant (Variation ID: 854516). Invitae Evidence Modeling of protein sequence and biophysical properties (such as structural, functional, and spatial information, amino acid conservation, physicochemical variation, residue mobility, and thermodynamic stability) indicates that this missense variant is not expected to disrupt POLE protein function with a negative predictive value of 80%. In summary, the available evidence is currently insufficient to determine the role of this variant in disease. Therefore, it has been classified as a Variant of Uncertain Significance.

NM_006231.4(POLE):c.5561C>T (p.Ala1854Val)

Gene: POLE (DNA polymerase epsilon, catalytic subunit; minus strand). Cytogenetic location: 12q24.33.
Variant type: single nucleotide variant.
Coding change: c.5561C>T on transcript NM_006231.4 (MANE Select); coding-DNA position 5561, C replaced by T.
Protein change: p.Ala1854Val; replaces alanine 1854 with valine.
Molecular consequence: missense variant.
Genome position (GRCh38, 1-based): chr12:132,638,131, G>A on the plus strand (C>T on the coding strand, the complement: POLE is on the minus strand). VCF-style: chr12-132638131-G-A. GRCh37 (hg19) VCF-style: chr12-133214717-G-A.
Other names: c.5561C>T (NM_006231.2); short protein forms A1854V.
Identifiers: ClinVar variation 854516 (VCV000854516.10), dbSNP rs2042071829, ClinGen allele CA387374202.